The following is an entry in ClinVar:

ClinVar aggregate classification (germline): Uncertain significance (1 of 4 stars; one submission).

gnomAD v4.1: 36 of 1,614,068 alleles (0.0022%); highest among the groups gnomAD compares: Non-Finnish European, 0.0031%; no homozygotes.

Submission:

Labcorp Genetics (formerly Invitae), Labcorp
Classification: Uncertain significance. Last evaluated: 2025-01-19. Review status: criteria provided, single submitter. Criteria: Invitae Variant Classification Sherloc (09022015). Collection method: clinical testing. Allele origin: germline.
Comment: This sequence change falls in intron 5 of the CETP gene. It does not directly change the encoded amino acid sequence of the CETP protein. This variant is present in population databases (rs200704071, gnomAD 0.003%). This variant has not been reported in the literature in individuals affected with CETP-related conditions. Algorithms developed to predict the effect of sequence changes on RNA splicing suggest that this variant may disrupt the consensus splice site. In summary, the available evidence is currently insufficient to determine the role of this variant in disease. Therefore, it has been classified as a Variant of Uncertain Significance.

NM_000078.3(CETP):c.528-13T>C

Gene: CETP (cholesteryl ester transfer protein; plus strand). Cytogenetic location: 16q13.
Variant type: single nucleotide variant.
Coding change: c.528-13T>C on transcript NM_000078.3 (MANE Select); 13 bases into the intron before coding-DNA position 528, T replaced by C.
Molecular consequence: intron variant.
Genome position (GRCh38, 1-based): chr16:56,971,020, T>C. VCF-style: chr16-56971020-T-C. GRCh37 (hg19) VCF-style: chr16-57004932-T-C.
Other names: c.528-13T>C (NM_001286085.2).
Identifiers: ClinVar variation 3611023 (VCV003611023.2).